The following is an entry in ClinVar:

NC_000010.10:g.(?_104590287)_(104597171_?)dup

Gene: CYP17A1 (cytochrome P450 family 17 subfamily A member 1; minus strand). Cytogenetic location: 10q24.32.
Variant type: Duplication.
Identifiers: ClinVar variation 3385140 (VCV003385140.1).

ClinVar aggregate classification (germline): Uncertain significance (1 of 4 stars; one submission).

Submission:

Women's Health and Genetics/Laboratory Corporation of America, LabCorp
Classification: Uncertain significance. Last evaluated: 2024-10-22. Review status: criteria provided, single submitter. Criteria: LabCorp Variant Classification Summary - May 2015. Collection method: clinical testing. Allele origin: germline.
Comment: Variant summary: The variant involves the duplication of exons 1-8 in the CYP17A1 gene. A presumed nomenclature of c.(?_-53)_(*172_?)dup has been designated for the purposes of this classification. This duplication includes the entire coding sequence of the gene. As exact breakpoints are unknown, it may extend beyond the annotated region of the gene, to include other flanking genes. The variant was absent in 21694 control chromosomes. The available data on variant occurrences in the general population are insufficient to allow any conclusion about variant significance. To our knowledge, no occurrence of c.(?_-53)_(*172_?)dup in individuals affected with Congenital Adrenal Hyperplasia and no experimental evidence demonstrating its impact on protein function have been reported. No submitters have cited clinical-significance assessments for this variant to ClinVar. Based on the evidence outlined above, the variant was classified as uncertain significance.